The following is an entry in ClinVar:

ClinVar aggregate classification (germline): Uncertain significance (1 of 4 stars; one submission).

Conditions:
Orthostatic hypotension 1 (ORTHYP1). Also called: NORADRENALINE DEFICIENCY; NOREPINEPHRINE DEFICIENCY; Dopamine beta-hydroxylase deficiency; Orthostatic hypotension 1, due to DBH deficiency. Identifiers: Orphanet 230, MedGen C4746777, MONDO:0009123, OMIM 223360.

Allele frequency attached by ClinVar (database versions not stated): ExAC 0.00003; gnomAD 0.00004 and 0.00005; gnomAD exomes 0.00004; 1000 Genomes Project 30x 0.00016; 1000 Genomes Project 0.00020.
gnomAD v4.1: 48 of 1,613,716 alleles (0.003%); highest among the groups gnomAD compares: Middle Eastern, 0.033%; no homozygotes.

Submission:

Labcorp Genetics (formerly Invitae), Labcorp
Classification: Uncertain significance for Orthostatic hypotension 1. Last evaluated: 2024-02-17. Review status: criteria provided, single submitter. Criteria: Invitae Variant Classification Sherloc (09022015). Collection method: clinical testing. Allele origin: germline.
Comment: This sequence change replaces isoleucine, which is neutral and non-polar, with threonine, which is neutral and polar, at codon 340 of the DBH protein (p.Ile340Thr). This variant is present in population databases (rs182974707, gnomAD 0.01%). This variant has not been reported in the literature in individuals affected with DBH-related conditions. ClinVar contains an entry for this variant (Variation ID: 1446087). Advanced modeling of protein sequence and biophysical properties (such as structural, functional, and spatial information, amino acid conservation, physicochemical variation, residue mobility, and thermodynamic stability) performed at Invitae indicates that this missense variant is not expected to disrupt DBH protein function with a negative predictive value of 80%. In summary, the available evidence is currently insufficient to determine the role of this variant in disease. Therefore, it has been classified as a Variant of Uncertain Significance.

NM_000787.4(DBH):c.1019T>C (p.Ile340Thr)

Gene: DBH (dopamine beta-hydroxylase; plus strand). Cytogenetic location: 9q34.2.
Variant type: single nucleotide variant.
Coding change: c.1019T>C on transcript NM_000787.4 (MANE Select); coding-DNA position 1019, T replaced by C.
Protein change: p.Ile340Thr; replaces isoleucine 340 with threonine.
Molecular consequence: missense variant.
Genome position (GRCh38, 1-based): chr9:133,644,315, T>C. VCF-style: chr9-133644315-T-C. GRCh37 (hg19) VCF-style: chr9-136509437-T-C.
Other names: short protein forms I340T.
Identifiers: ClinVar variation 1446087 (VCV001446087.8), dbSNP rs182974707, ClinGen allele CA5313265.